The following is an entry in ClinVar:

ClinVar aggregate classification (germline): Uncertain significance (1 of 4 stars; one submission).

Allele frequency attached by ClinVar (database versions not stated): gnomAD 0.00001.
gnomAD v4.1: 1 of 1,209,849 alleles (0.000083%); highest among the groups gnomAD compares: Non-Finnish European, 0.00011%; no homozygotes.

Submission:

GeneDx
Classification: Uncertain significance. Last evaluated: 2024-08-04. Review status: criteria provided, single submitter. Criteria: GeneDx Variant Classification Process June 2021. Collection method: clinical testing. Allele origin: germline. Affected: yes.
Comment: Not observed at significant frequency in large population cohorts (gnomAD); In silico analysis supports that this missense variant has a deleterious effect on protein structure/function; Has not been previously published as pathogenic or benign to our knowledge

NM_001368397.1(FRMPD4):c.2359C>T (p.Pro787Ser)

Gene: FRMPD4 (FERM and PDZ domain containing 4; plus strand). Cytogenetic location: Xp22.2.
Variant type: single nucleotide variant.
Coding change: c.2359C>T on transcript NM_001368397.1 (MANE Select); coding-DNA position 2359, C replaced by T.
Protein change: p.Pro787Ser; replaces proline 787 with serine.
Molecular consequence: missense variant.
Genome position (GRCh38, 1-based): chrX:12,716,818, C>T. VCF-style: chrX-12716818-C-T. GRCh37 (hg19) VCF-style: chrX-12734937-C-T.
Other names: c.2470C>T, p.Pro824Ser (NM_001368395.3, NM_001368398.3); c.2365C>T, p.Pro789Ser (NM_001368396.3); c.2350C>T, p.Pro784Ser (NM_001368399.3); c.2239C>T, p.Pro747Ser (NM_001368400.3); c.2335C>T, p.Pro779Ser (NM_001368401.1, NM_001368402.3); c.2359C>T, p.Pro787Ser (NM_014728.3); short protein forms P747S, P779S, P784S, P787S, P789S, P824S.
Identifiers: ClinVar variation 1305105 (VCV001305105.3), dbSNP rs2042096148, ClinGen allele CA412311937.